The following is an entry in ClinVar:

NM_001035.3(RYR2):c.953A>G (p.Asp318Gly)

Gene: RYR2 (ryanodine receptor 2; plus strand). Cytogenetic location: 1q43.
Variant type: single nucleotide variant.
Coding change: c.953A>G on transcript NM_001035.3 (MANE Select); coding-DNA position 953, A replaced by G.
Protein change: p.Asp318Gly; replaces aspartic acid 318 with glycine.
Molecular consequence: missense variant.
Genome position (GRCh38, 1-based): chr1:237,423,196, A>G. VCF-style: chr1-237423196-A-G. GRCh37 (hg19) VCF-style: chr1-237586496-A-G.
Other names: c.953A>G, p.Asp318Gly (LRG_402t1); short protein forms D318G.
Identifiers: ClinVar variation 574565 (VCV000574565.18), dbSNP rs1268335647, ClinGen allele CA345385469.
Genomic context (GRCh38, chr1:237,423,196, plus strand): 5'-GCCATGTCACAACAGGAAAATACTTGAGTCTCATGGAAGACAAAAACCTTCTACTCATGG[A>G]CAAAGAGAAAGCTGATGTAAAATCAACAGCATTTACCTTCCGGTCTTCCAAGGTGAGACA-3'
Protein context (NP_001026.2, residues 308-328): LMEDKNLLLM[Asp318Gly]KEKADVKSTA

ClinVar aggregate classification (germline): Uncertain significance. Review status: criteria provided, multiple submitters, no conflicts (2 of 4 stars). 5 submissions from 5 submitters: Uncertain significance (5). Last evaluated 2025-10-13.

Conditions:
Cardiovascular phenotype. Identifiers: MedGen CN230736.
Cardiomyopathy (CMYO). Also called: Cardiomyopathies. Identifiers: Orphanet 167848, MedGen C0878544, MONDO:0004994, HP:0001638. Inheritance: Various modes of inheritance.
Catecholaminergic polymorphic ventricular tachycardia 1. Also called: RYR2-Related Catecholaminergic Polymorphic Ventricular Tachycardia; VENTRICULAR TACHYCARDIA, CATECHOLAMINERGIC POLYMORPHIC, 1, WITH OR WITHOUT ATRIAL DYSFUNCTION AND/OR DILATED CARDIOMYOPATHY; VENTRICULAR TACHYCARDIA, STRESS-INDUCED POLYMORPHIC 1. Identifiers: Orphanet 3286, MedGen C1631597, MONDO:0011484, OMIM 604772.
Catecholaminergic polymorphic ventricular tachycardia (CVPT). Also called: Catecholamine-induced polymorphic ventricular tachycardia. Identifiers: Orphanet 3286, MedGen C5574922, MONDO:0017990.

Allele frequency attached by ClinVar (database versions not stated): gnomAD exomes below 0.00001; gnomAD 0.00003; TOPMed 0.00008.
gnomAD v4.1: 7 of 1,613,766 alleles (0.00043%); highest among the groups gnomAD compares: Admixed American, 0.0083%; no homozygotes.

Submissions (5):

Labcorp Genetics (formerly Invitae), Labcorp
Classification: Uncertain significance for Catecholaminergic polymorphic ventricular tachycardia 1. Last evaluated: 2025-10-13. Review status: criteria provided, single submitter. Criteria: Invitae Variant Classification Sherloc (09022015). Collection method: clinical testing. Allele origin: germline.
Comment: This sequence change replaces aspartic acid, which is acidic and polar, with glycine, which is neutral and non-polar, at codon 318 of the RYR2 protein (p.Asp318Gly). This variant is not present in population databases (gnomAD no frequency). This variant has not been reported in the literature in individuals affected with RYR2-related conditions. ClinVar contains an entry for this variant (Variation ID: 574565). Invitae Evidence Modeling of protein sequence and biophysical properties (such as structural, functional, and spatial information, amino acid conservation, physicochemical variation, residue mobility, and thermodynamic stability) indicates that this missense variant is not expected to disrupt RYR2 protein function with a negative predictive value of 95%. In summary, the available evidence is currently insufficient to determine the role of this variant in disease. Therefore, it has been classified as a Variant of Uncertain Significance.

GeneDx
Classification: Uncertain significance. Last evaluated: 2024-10-08. Review status: criteria provided, single submitter. Criteria: GeneDx Variant Classification Process June 2021. Collection method: clinical testing. Allele origin: germline. Affected: yes.
Comment: Not observed at significant frequency in large population cohorts (gnomAD); In silico analysis supports that this missense variant has a deleterious effect on protein structure/function; Has not been previously published as pathogenic or benign to our knowledge; Located in one of the three hot-spot regions of the RYR2 gene, where the majority of pathogenic missense variants occur (PMID: 19926015); This variant is associated with the following publications: (PMID: 19926015)

All of Us Research Program, National Institutes of Health
Classification: Uncertain significance for Catecholaminergic polymorphic ventricular tachycardia. Last evaluated: 2024-08-13. Review status: criteria provided, single submitter. Criteria: ACMG Guidelines, 2015. Collection method: clinical testing. Allele origin: germline. Inheritance: Autosomal dominant inheritance. Observed: 14 variant alleles, 14 heterozygotes.
Comment: This missense variant replaces aspartic acid with glycine at codon 318 of the RYR2 protein. Computational prediction suggests that this variant may have deleterious impact on protein structure and function (internally defined REVEL score threshold >= 0.7, PMID: 27666373). Splice site prediction tools suggest that this variant may not impact RNA splicing. To our knowledge, functional studies have not been performed for this variant. This variant has not been reported in individuals affected with cardiovascular disorders in the literature. This variant has been identified in 1/31402 chromosomes in the general population by the Genome Aggregation Database (gnomAD). The available evidence is insufficient to determine the role of this variant in disease conclusively. Therefore, this variant is classified as a Variant of Uncertain Significance.

This study involves interpretation of variants in research participants for the purpose of population health screening. Participant phenotype was not available at the time of variant classification. Additional details can be found in publication PMID: 35346344, PMCID: PMC8962531

Ambry Genetics
Classification: Uncertain significance for Cardiovascular phenotype. Last evaluated: 2024-07-06. Review status: criteria provided, single submitter. Criteria: Ambry Variant Classification Scheme 2023. Collection method: clinical testing. Allele origin: germline.
Comment: The p.D318G variant (also known as c.953A>G), located in coding exon 12 of the RYR2 gene, results from an A to G substitution at nucleotide position 953. The aspartic acid at codon 318 is replaced by glycine, an amino acid with similar properties. This amino acid position is highly conserved in available vertebrate species. In addition, the in silico prediction for this alteration is inconclusive. Based on the available evidence, the clinical significance of this variant remains unclear.

Color Diagnostics, LLC DBA Color Health
Classification: Uncertain significance for Cardiomyopathy. Last evaluated: 2024-03-06. Review status: criteria provided, single submitter. Criteria: ACMG Guidelines, 2015. Collection method: clinical testing. Allele origin: germline.
Comment: This missense variant replaces aspartic acid with glycine at codon 318 of the RYR2 protein. Computational prediction suggests that this variant may have deleterious impact on protein structure and function (internally defined REVEL score threshold >= 0.7, PMID: 27666373). To our knowledge, functional studies have not been reported for this variant. This variant has not been reported in individuals affected with RYR2-related disorders in the literature. This variant has been identified in 1/31402 chromosomes in the general population by the Genome Aggregation Database (gnomAD). The available evidence is insufficient to determine the role of this variant in disease conclusively. Therefore, this variant is classified as a Variant of Uncertain Significance.